The following is an entry in ClinVar:

ClinVar aggregate classification (germline): Conflicting classifications of pathogenicity. Review status: criteria provided, conflicting classifications (1 of 4 stars). 3 submissions from 3 submitters: Likely pathogenic (1); Uncertain significance (1). 1 of the submissions does not count toward it. Last evaluated 2023-03-10.

Conditions:
Smith-Lemli-Opitz syndrome (SLOS). Also called: 7-Dehydrocholesterol reductase deficiency; POLYDACTYLY, SEX REVERSAL, RENAL HYPOPLASIA, AND UNILOBAR LUNG; RSH SYNDROME; RUTLEDGE LETHAL MULTIPLE CONGENITAL ANOMALY SYNDROME; LETHAL ACRODYSGENITAL SYNDROME. Identifiers: Orphanet 818, MedGen C0175694, MONDO:0010035, OMIM 270400.

Submissions (3):

Labcorp Genetics (formerly Invitae), Labcorp
Classification: Likely pathogenic for Smith-Lemli-Opitz syndrome. Last evaluated: 2023-03-10. Review status: criteria provided, single submitter. Criteria: Invitae Variant Classification Sherloc (09022015). Collection method: clinical testing. Allele origin: germline.
Comment: In summary, the currently available evidence indicates that the variant is pathogenic, but additional data are needed to prove that conclusively. Therefore, this variant has been classified as Likely Pathogenic. Advanced modeling of protein sequence and biophysical properties (such as structural, functional, and spatial information, amino acid conservation, physicochemical variation, residue mobility, and thermodynamic stability) performed at Invitae indicates that this missense variant is expected to disrupt DHCR7 protein function. ClinVar contains an entry for this variant (Variation ID: 1039683). This missense change has been observed in individual(s) with clinical features of Smith-Lemli-Opitz syndrome (Invitae). In at least one individual the data is consistent with being in trans (on the opposite chromosome) from a pathogenic variant. This variant is not present in population databases (gnomAD no frequency). This sequence change replaces glutamic acid, which is acidic and polar, with glycine, which is neutral and non-polar, at codon 261 of the DHCR7 protein (p.Glu261Gly).

GeneDx
Classification: Uncertain significance. Last evaluated: 2019-09-04. Review status: criteria provided, single submitter. Criteria: GeneDx Variant Classification Process June 2021. Collection method: clinical testing. Allele origin: germline. Affected: yes.
Comment: Not observed in large population cohorts (Lek et al., 2016); The majority of missense variants in this gene are considered pathogenic [(Stenson et al., 2014; other references)]; In silico analysis, which includes protein predictors and evolutionary conservation, supports a deleterious effect; Has not been previously published as pathogenic or benign to our knowledge

Natera, Inc.
Classification: Uncertain significance for Smith-Lemli-Opitz syndrome. Last evaluated: 2021-03-29. Review status: no assertion criteria provided. Collection method: clinical testing. Allele origin: germline. Not counted in ClinVar's aggregate classification.

NM_001360.3(DHCR7):c.782A>G (p.Glu261Gly)

Gene: DHCR7 (7-dehydrocholesterol reductase; minus strand). Cytogenetic location: 11q13.4.
Variant type: single nucleotide variant.
Coding change: c.782A>G on transcript NM_001360.3 (MANE Select); coding-DNA position 782, A replaced by G.
Protein change: p.Glu261Gly; replaces glutamic acid 261 with glycine.
Molecular consequence: missense variant.
Genome position (GRCh38, 1-based): chr11:71,438,928, T>C on the plus strand (A>G on the coding strand, the complement: DHCR7 is on the minus strand). VCF-style: chr11-71438928-T-C. GRCh37 (hg19) VCF-style: chr11-71149974-T-C.
Other names: c.782A>G, p.Glu261Gly (NM_001163817.2); short protein forms E261G.
Identifiers: ClinVar variation 1039683 (VCV001039683.13), dbSNP rs1406131499, ClinGen allele CA381703289.